The following is an entry in ClinVar:

NM_015631.6(TCTN3):c.889-8G>A

Gene: TCTN3 (tectonic family member 3; minus strand). Cytogenetic location: 10q24.1.
Variant type: single nucleotide variant.
Coding change: c.889-8G>A on transcript NM_015631.6 (MANE Select); 8 bases into the intron before coding-DNA position 889, G replaced by A.
Molecular consequence: intron variant.
Genome position (GRCh38, 1-based): chr10:95,685,644, C>T on the plus strand (G>A on the coding strand, the complement: TCTN3 is on the minus strand). VCF-style: chr10-95685644-C-T. GRCh37 (hg19) VCF-style: chr10-97445401-C-T.
Other names: c.651+851G>A (NM_001143973.2).
Identifiers: ClinVar variation 515128 (VCV000515128.41), dbSNP rs374331871, ClinGen allele CA5621015.

ClinVar aggregate classification (germline): Benign/Likely benign. Review status: criteria provided, multiple submitters, no conflicts (2 of 4 stars). 9 submissions from 9 submitters: Benign (2); Likely benign (4). 3 of the submissions do not count toward it. Last evaluated 2026-02-01.

Conditions:
Orofacial-digital syndrome IV (OFD4). Also called: Orofaciodigital syndrome IV; MOHR-MAJEWSKI SYNDROME; BARAITSER-BURN SYNDROME; OFD SYNDROME WITH TIBIAL DEFECTS; OFD SYNDROME, BARAITSER-BURN TYPE; OFDS IV. Identifiers: Orphanet 2753, MedGen C0406727, MONDO:0009794, OMIM 258860.
Joubert syndrome 18 (JBTS18). Identifiers: Orphanet 2754, MedGen C3553758, MONDO:0013896, OMIM 614815.

Allele frequency attached by ClinVar (database versions not stated): ESP Exome Variant Server 0.00022; gnomAD 0.00029 and 0.00058; TOPMed 0.00053; gnomAD exomes 0.00067 and 0.00145; 1000 Genomes Project 30x 0.00172; 1000 Genomes Project 0.00200; ExAC 0.00335.
gnomAD v4.1: 1,077 of 1,549,192 alleles (0.07%); highest among the groups gnomAD compares: South Asian, 0.8%; 10 homozygotes.

Submissions (9):

Labcorp Genetics (formerly Invitae), Labcorp
Classification: Benign for Joubert syndrome 18; Orofacial-digital syndrome IV. Last evaluated: 2026-02-01. Review status: criteria provided, single submitter. Criteria: Invitae Variant Classification Sherloc (09022015). Collection method: clinical testing. Allele origin: germline.

Blueprint Genetics
Classification: Likely benign. Last evaluated: 2024-11-26. Review status: criteria provided, single submitter. Criteria: ACMG Guidelines, 2015. Collection method: clinical testing. Allele origin: germline.

CeGaT Center for Human Genetics Tuebingen
Classification: Benign. Last evaluated: 2024-05-01. Review status: criteria provided, single submitter. Criteria: CeGaT Center For Human Genetics Tuebingen Variant Classification Criteria Version 2. Collection method: clinical testing. Allele origin: germline. Affected: yes. Observed: 4 variant alleles.
Comment: TCTN3: BP4, BS1, BS2

Fulgent Genetics
Classification: Likely benign for Orofacial-digital syndrome IV; Joubert syndrome 18. Last evaluated: 2022-03-03. Review status: criteria provided, single submitter. Criteria: ACMG Guidelines, 2015. Collection method: clinical testing. Allele origin: unknown.

GeneDx
Classification: Likely benign. Last evaluated: 2018-01-31. Review status: criteria provided, single submitter. Criteria: GeneDx Variant Classification (06012015). Collection method: clinical testing. Allele origin: germline. Affected: yes.
Comment: This variant is considered likely benign or benign based on one or more of the following criteria: it is a conservative change, it occurs at a poorly conserved position in the protein, it is predicted to be benign by multiple in silico algorithms, and/or has population frequency not consistent with disease.

Breakthrough Genomics
Classification: Likely benign. Review status: criteria provided, single submitter. Criteria: ACMG Guidelines, 2015. Collection method: not provided. Allele origin: germline. Inheritance: Autosomal recessive inheritance. Affected: yes.

Clinical Genetics DNA and cytogenetics Diagnostics Lab, Erasmus MC, Erasmus Medical Center
Classification: Likely benign. Review status: no assertion criteria provided. Collection method: clinical testing. Allele origin: germline. Affected: yes. Study: VKGL Data-share Consensus. Not counted in ClinVar's aggregate classification.

Genome Diagnostics Laboratory, University Medical Center Utrecht
Classification: Likely benign. Review status: no assertion criteria provided. Collection method: clinical testing. Allele origin: germline. Affected: yes. Study: VKGL Data-share Consensus. Not counted in ClinVar's aggregate classification.

Laboratory of Diagnostic Genome Analysis, Leiden University Medical Center (LUMC)
Classification: Likely benign. Review status: no assertion criteria provided. Collection method: clinical testing. Allele origin: germline. Affected: yes. Study: VKGL Data-share Consensus. Not counted in ClinVar's aggregate classification.